The following is an entry in ClinVar:

NM_001288705.3(CSF1R):c.2617T>C (p.Tyr873His)

Gene: CSF1R (colony stimulating factor 1 receptor; minus strand). Cytogenetic location: 5q32.
Variant type: single nucleotide variant.
Coding change: c.2617T>C on transcript NM_001288705.3 (MANE Select); coding-DNA position 2617, T replaced by C.
Protein change: p.Tyr873His; replaces tyrosine 873 with histidine.
Molecular consequence: missense variant. On other transcripts: non-coding transcript variant (2).
Genome position (GRCh38, 1-based): chr5:150,055,274, A>G on the plus strand (T>C on the coding strand, the complement: CSF1R is on the minus strand). VCF-style: chr5-150055274-A-G. GRCh37 (hg19) VCF-style: chr5-149434837-A-G.
Other names: c.2617T>C, p.Tyr873His (NM_001349736.2, NM_001375320.1, NM_005211.4); c.2173T>C, p.Tyr725His (NM_001375321.1); short protein forms Y725H, Y873H.
Identifiers: ClinVar variation 4801550 (VCV004801550.1).

ClinVar aggregate classification (germline): Uncertain significance (1 of 4 stars; one submission).

Submission:

Labcorp Genetics (formerly Invitae), Labcorp
Classification: Uncertain significance. Last evaluated: 2025-05-07. Review status: criteria provided, single submitter. Criteria: Invitae Variant Classification Sherloc (09022015). Collection method: clinical testing. Allele origin: germline.
Comment: This sequence change replaces tyrosine, which is neutral and polar, with histidine, which is basic and polar, at codon 873 of the CSF1R protein (p.Tyr873His). This variant is not present in population databases (gnomAD no frequency). This variant has not been reported in the literature in individuals affected with CSF1R-related conditions. Invitae Evidence Modeling of protein sequence and biophysical properties (such as structural, functional, and spatial information, amino acid conservation, physicochemical variation, residue mobility, and thermodynamic stability) has been performed for this missense variant. However, the output from this modeling did not meet the statistical confidence thresholds required to predict the impact of this variant on CSF1R protein function. In summary, the available evidence is currently insufficient to determine the role of this variant in disease. Therefore, it has been classified as a Variant of Uncertain Significance.